The following is an entry in ClinVar:

ClinVar aggregate classification (germline): Uncertain significance (1 of 4 stars; one submission).

Conditions:
Bardet-Biedl syndrome (BBS). Identifiers: Orphanet 110, MedGen C0752166, MONDO:0015229.

Submission:

Labcorp Genetics (formerly Invitae), Labcorp
Classification: Uncertain significance for Bardet-Biedl syndrome. Last evaluated: 2022-10-24. Review status: criteria provided, single submitter. Criteria: Invitae Variant Classification Sherloc (09022015). Collection method: clinical testing. Allele origin: germline.
Comment: This sequence change replaces tyrosine, which is neutral and polar, with histidine, which is basic and polar, at codon 203 of the BBS5 protein (p.Tyr203His). This variant is not present in population databases (gnomAD no frequency). In summary, the available evidence is currently insufficient to determine the role of this variant in disease. Therefore, it has been classified as a Variant of Uncertain Significance. Algorithms developed to predict the effect of sequence changes on RNA splicing suggest that this variant may create or strengthen a splice site. Advanced modeling of protein sequence and biophysical properties (such as structural, functional, and spatial information, amino acid conservation, physicochemical variation, residue mobility, and thermodynamic stability) performed at Invitae indicates that this missense variant is not expected to disrupt BBS5 protein function. This variant has not been reported in the literature in individuals affected with BBS5-related conditions.

NM_152384.3(BBS5):c.607T>C (p.Tyr203His)

Gene: BBS5 (Bardet-Biedl syndrome 5; plus strand). Cytogenetic location: 2q31.1.
Variant type: single nucleotide variant.
Coding change: c.607T>C on transcript NM_152384.3 (MANE Select); coding-DNA position 607, T replaced by C.
Protein change: p.Tyr203His; replaces tyrosine 203 with histidine.
Molecular consequence: missense variant.
Genome position (GRCh38, 1-based): chr2:169,493,825, T>C. VCF-style: chr2-169493825-T-C. GRCh37 (hg19) VCF-style: chr2-170350335-T-C.
Other names: short protein forms Y203H.
Identifiers: ClinVar variation 2167001 (VCV002167001.4), dbSNP rs2468042419, ClinGen allele CA349165209.